The following is an entry in ClinVar:

ClinVar aggregate classification (germline): Uncertain significance (1 of 4 stars; one submission).

Allele frequency attached by ClinVar (database versions not stated): TOPMed below 0.00001; gnomAD exomes 0.00001.
gnomAD v4.1: 6 of 1,613,062 alleles (0.00037%); highest among the groups gnomAD compares: Non-Finnish European, 0.00051%; no homozygotes.

Submission:

Labcorp Genetics (formerly Invitae), Labcorp
Classification: Uncertain significance. Last evaluated: 2022-02-05. Review status: criteria provided, single submitter. Criteria: Invitae Variant Classification Sherloc (09022015). Collection method: clinical testing. Allele origin: germline.
Comment: This sequence change replaces valine, which is neutral and non-polar, with leucine, which is neutral and non-polar, at codon 171 of the COL11A2 protein (p.Val171Leu). This variant is not present in population databases (gnomAD no frequency). This variant has not been reported in the literature in individuals affected with COL11A2-related conditions. Advanced modeling of protein sequence and biophysical properties (such as structural, functional, and spatial information, amino acid conservation, physicochemical variation, residue mobility, and thermodynamic stability) performed at Invitae indicates that this missense variant is not expected to disrupt COL11A2 protein function. In summary, the available evidence is currently insufficient to determine the role of this variant in disease. Therefore, it has been classified as a Variant of Uncertain Significance.

NM_080680.3(COL11A2):c.511G>C (p.Val171Leu)

Gene: COL11A2 (collagen type XI alpha 2 chain; minus strand). Cytogenetic location: 6p21.32.
Variant type: single nucleotide variant.
Coding change: c.511G>C on transcript NM_080680.3 (MANE Select); coding-DNA position 511, G replaced by C.
Protein change: p.Val171Leu; replaces valine 171 with leucine.
Molecular consequence: missense variant.
Genome position (GRCh38, 1-based): chr6:33,188,457, C>G on the plus strand (G>C on the coding strand, the complement: COL11A2 is on the minus strand). VCF-style: chr6-33188457-C-G. GRCh37 (hg19) VCF-style: chr6-33156234-C-G.
Other names: c.511G>C, p.Val171Leu (NM_001163771.2, NM_080679.3, NM_080681.3); short protein forms V171L.
Identifiers: ClinVar variation 1430228 (VCV001430228.5), dbSNP rs1018328130, ClinGen allele CA137053984.